The following is an entry in ClinVar:

NM_144670.6(A2ML1):c.4361A>G (p.Glu1454Gly)

Gene: A2ML1 (alpha-2-macroglobulin like 1; plus strand). Cytogenetic location: 12p13.31.
Variant type: single nucleotide variant.
Coding change: c.4361A>G on transcript NM_144670.6 (MANE Select); coding-DNA position 4361, A replaced by G.
Protein change: p.Glu1454Gly; replaces glutamic acid 1454 with glycine.
Molecular consequence: missense variant.
Genome position (GRCh38, 1-based): chr12:8,875,007, A>G. VCF-style: chr12-8875007-A-G. GRCh37 (hg19) VCF-style: chr12-9027603-A-G.
Other names: c.2888A>G, p.Glu963Gly (NM_001282424.3); c.4361A>G (NM_144670.5); short protein forms E1454G, E963G.
Identifiers: ClinVar variation 1415343 (VCV001415343.13), dbSNP rs374569843, ClinGen allele CA6436680.

ClinVar aggregate classification (germline): Uncertain significance. Review status: criteria provided, multiple submitters, no conflicts (2 of 4 stars). 3 submissions from 3 submitters: Uncertain significance (2). 1 of the submissions does not count toward it. Last evaluated 2025-11-05.

Conditions:
A2ML1-related disorder. Also called: A2ML1-related condition.

Allele frequency attached by ClinVar (database versions not stated): ExAC 0.00001; gnomAD exomes 0.00002 and 0.00003; TOPMed 0.00002; ESP Exome Variant Server 0.00017.
gnomAD v4.1: 48 of 1,614,082 alleles (0.003%); highest among the groups gnomAD compares: Non-Finnish European, 0.0041%; no homozygotes.

Submissions (3):

Labcorp Genetics (formerly Invitae), Labcorp
Classification: Uncertain significance. Last evaluated: 2025-11-05. Review status: criteria provided, single submitter. Criteria: Invitae Variant Classification Sherloc (09022015). Collection method: clinical testing. Allele origin: germline.
Comment: This sequence change replaces glutamic acid, which is acidic and polar, with glycine, which is neutral and non-polar, at codon 1454 of the A2ML1 protein (p.Glu1454Gly). This variant is present in population databases (rs374569843, gnomAD 0.007%). This variant has not been reported in the literature in individuals affected with A2ML1-related conditions. ClinVar contains an entry for this variant (Variation ID: 1415343). An algorithm developed to predict the effect of missense changes on protein structure and function (PolyPhen-2) suggests that this variant is likely to be disruptive. In summary, the available evidence is currently insufficient to determine the role of this variant in disease. Therefore, it has been classified as a Variant of Uncertain Significance.

Ambry Genetics
Classification: Uncertain significance. Last evaluated: 2025-05-03. Review status: criteria provided, single submitter. Criteria: Ambry Variant Classification Scheme 2023. Collection method: clinical testing. Allele origin: germline.
Comment: The p.E1454G variant (also known as c.4361A>G), located in coding exon 35 of the A2ML1 gene, results from an A to G substitution at nucleotide position 4361. The glutamic acid at codon 1454 is replaced by glycine, an amino acid with similar properties. This amino acid position is conserved. In addition, this alteration is predicted to be tolerated by in silico analysis. Since supporting evidence is limited at this time, the clinical significance of this alteration remains unclear.

PreventionGenetics, part of Exact Sciences
Classification: Uncertain significance for A2ML1-related condition. Last evaluated: 2024-01-11. Review status: no assertion criteria provided. Collection method: clinical testing. Allele origin: germline. Not counted in ClinVar's aggregate classification.
Comment: The A2ML1 c.4361A>G variant is predicted to result in the amino acid substitution p.Glu1454Gly. To our knowledge, this variant has not been reported in the literature. This variant is reported in 0.0065% of alleles in individuals of African descent in gnomAD. At this time, the clinical significance of this variant is uncertain due to the absence of conclusive functional and genetic evidence.